The following is an entry in ClinVar:

NM_002241.5(KCNJ10):c.890G>T (p.Arg297Leu)

Gene: KCNJ10 (potassium inwardly rectifying channel subfamily J member 10; minus strand). Cytogenetic location: 1q23.2.
Variant type: single nucleotide variant.
Coding change: c.890G>T on transcript NM_002241.5 (MANE Select); coding-DNA position 890, G replaced by T.
Protein change: p.Arg297Leu; replaces arginine 297 with leucine.
Molecular consequence: missense variant.
Genome position (GRCh38, 1-based): chr1:160,041,643, C>A on the plus strand (G>T on the coding strand, the complement: KCNJ10 is on the minus strand). VCF-style: chr1-160041643-C-A. GRCh37 (hg19) VCF-style: chr1-160011433-C-A.
Other names: short protein forms R297L.
Identifiers: ClinVar variation 4747222 (VCV004747222.1).

ClinVar aggregate classification (germline): Likely pathogenic (1 of 4 stars; one submission).

Conditions:
EAST syndrome (SESAMES). Also called: SEIZURES, SENSORINEURAL DEAFNESS, ATAXIA, IMPAIRED INTELLECTUAL DEVELOPMENT, AND ELECTROLYTE IMBALANCE. Identifiers: Orphanet 199343, MedGen C2748572, MONDO:0013005, OMIM 612780.

Submission:

Labcorp Genetics (formerly Invitae), Labcorp
Classification: Likely pathogenic for EAST syndrome. Last evaluated: 2025-12-13. Review status: criteria provided, single submitter. Criteria: Invitae Variant Classification Sherloc (09022015). Collection method: clinical testing. Allele origin: germline.
Comment: This sequence change replaces arginine, which is basic and polar, with leucine, which is neutral and non-polar, at codon 297 of the KCNJ10 protein (p.Arg297Leu). This variant is not present in population databases (gnomAD no frequency). This variant has not been reported in the literature in individuals affected with KCNJ10-related conditions. Invitae Evidence Modeling of protein sequence and biophysical properties (such as structural, functional, and spatial information, amino acid conservation, physicochemical variation, residue mobility, and thermodynamic stability) indicates that this missense variant is expected to disrupt KCNJ10 protein function with a positive predictive value of 95%. This variant disrupts the p.Arg297 amino acid residue in KCNJ10. Other variant(s) that disrupt this residue have been determined to be pathogenic (PMID: 19289823, 20678478, 20807765, 21088294, 21849804). This suggests that this residue is clinically significant, and that variants that disrupt this residue are likely to be disease-causing. In summary, the currently available evidence indicates that the variant is pathogenic, but additional data are needed to prove that conclusively. Therefore, this variant has been classified as Likely Pathogenic.

Literature cited by the submitters: PubMed 19289823; PubMed 20678478; PubMed 20807765; PubMed 21088294; PubMed 21849804.